The following is an entry in ClinVar:

NM_012210.4(TRIM32):c.1238G>T (p.Gly413Val)

Genes: ASTN2 (astrotactin 2; minus strand), TRIM32 (tripartite motif containing 32; plus strand). Cytogenetic location: 9q33.1.
Variant type: single nucleotide variant.
Coding change: c.1238G>T on transcript NM_012210.4 (MANE Select); coding-DNA position 1238, G replaced by T.
Protein change: p.Gly413Val; replaces glycine 413 with valine.
Molecular consequence: missense variant. On other transcripts: intron variant (3).
Genome position (GRCh38, 1-based): chr9:116,698,980, G>T. VCF-style: chr9-116698980-G-T. GRCh37 (hg19) VCF-style: chr9-119461259-G-T.
Other names: c.1238G>T, p.Gly413Val (NM_001099679.2, NM_001379048.1, NM_001379049.1 and 1 more transcripts); c.2653+26791C>A (NM_014010.5); c.2794+26791C>A (NM_001365069.1); c.2806+26791C>A (NM_001365068.1); short protein forms G413V.
Identifiers: ClinVar variation 2416096 (VCV002416096.4), dbSNP rs2491065815, ClinGen allele CA374651248.

ClinVar aggregate classification (germline): Uncertain significance. Review status: criteria provided, multiple submitters, no conflicts (2 of 4 stars). 2 submissions from 2 submitters: Uncertain significance (2). Last evaluated 2026-06-22.

Conditions:
Bardet-Biedl syndrome (BBS). Identifiers: Orphanet 110, MedGen C0752166, MONDO:0015229.
TRIM32-related disorder. Also called: TRIM32-related condition.

Submissions (2):

PreventionGenetics, part of Exact Sciences
Classification: Uncertain significance for TRIM32-related condition. Last evaluated: 2026-06-22. Review status: criteria provided, single submitter. Criteria: ACMG Guidelines, 2015. Collection method: clinical testing. Allele origin: germline.
Comment: The TRIM32 c.1238G>T variant is predicted to result in the amino acid substitution p.Gly413Val. To our knowledge, this variant has not been reported in the literature or in a large population database (gnomAD), indicating this variant is rare. At this time, the clinical significance of this variant is uncertain due to the absence of conclusive functional and genetic evidence.

Labcorp Genetics (formerly Invitae), Labcorp
Classification: Uncertain significance for Bardet-Biedl syndrome. Last evaluated: 2022-03-30. Review status: criteria provided, single submitter. Criteria: Invitae Variant Classification Sherloc (09022015). Collection method: clinical testing. Allele origin: germline.
Comment: This sequence change replaces glycine, which is neutral and non-polar, with valine, which is neutral and non-polar, at codon 413 of the TRIM32 protein (p.Gly413Val). This variant is not present in population databases (gnomAD no frequency). This variant has not been reported in the literature in individuals affected with TRIM32-related conditions. Algorithms developed to predict the effect of missense changes on protein structure and function are either unavailable or do not agree on the potential impact of this missense change (SIFT: "Deleterious"; PolyPhen-2: "Benign"; Align-GVGD: "Class C15"). In summary, the available evidence is currently insufficient to determine the role of this variant in disease. Therefore, it has been classified as a Variant of Uncertain Significance.